The following is an entry in ClinVar:

NM_001004127.3(ALG11):c.1257G>A (p.Ser419=)

Genes: UTP14C (UTP14C small subunit processome component; plus strand), ALG11 (ALG11 alpha-1,2-mannosyltransferase; plus strand). Cytogenetic location: 13q14.3.
Variant type: single nucleotide variant.
Coding change: c.1257G>A on transcript NM_001004127.3 (MANE Select); coding-DNA position 1257, G replaced by A.
Protein change: p.Ser419=; no amino-acid change (serine 419 retained).
Molecular consequence: synonymous variant. On other transcripts: non-coding transcript variant (1), 5 prime UTR variant (1).
Genome position (GRCh38, 1-based): chr13:52,028,368, G>A. VCF-style: chr13-52028368-G-A. GRCh37 (hg19) VCF-style: chr13-52602504-G-A.
Other names: c.-437G>A (NM_021645.6).
Identifiers: ClinVar variation 383290 (VCV000383290.1), dbSNP rs770888492, ClinGen allele CA6990057.

ClinVar aggregate classification (germline): Likely benign (1 of 4 stars; one submission).

Allele frequency attached by ClinVar (database versions not stated): ExAC 0.00001; gnomAD 0.00001; gnomAD exomes 0.00001; TOPMed 0.00001.
gnomAD v4.1: 18 of 1,613,916 alleles (0.0011%); highest among the groups gnomAD compares: Admixed American, 0.005%; no homozygotes.

Submission:

GeneDx
Classification: Likely benign. Last evaluated: 2016-03-11. Review status: criteria provided, single submitter. Criteria: GeneDx Variant Classification (06012015). Collection method: clinical testing. Allele origin: germline. Affected: yes.
Comment: This variant is considered likely benign or benign based on one or more of the following criteria: it is a conservative change, it occurs at a poorly conserved position in the protein, it is predicted to be benign by multiple in silico algorithms, and/or has population frequency not consistent with disease.